The following is an entry in ClinVar:

NM_000059.4(BRCA2):c.9772_9775del (p.Glu3258fs)

Gene: BRCA2 (BRCA2 DNA repair associated; plus strand). Cytogenetic location: 13q13.1.
Variant type: Deletion.
Coding change: c.9772_9775del on transcript NM_000059.4 (MANE Select); coding-DNA positions 9772 to 9775, 4 bases deleted (GAGA; older notation c.9772_9775delGAGA).
Protein change: p.Glu3258fs; shifts the reading frame from glutamic acid 3258.
Molecular consequence: frameshift variant.
Genome position (GRCh38, 1-based): chr13:32,398,285-32,398,288, GAGA deleted; deleting any 4 consecutive bases within chr13:32,398,284-32,398,288 gives the same sequence; the c. name uses the placement nearest the transcript's 3' end. VCF-style (leftmost placement, unchanged base first): chr13-32398283-AAGAG-A. GRCh37 (hg19) VCF-style: chr13-32972420-AAGAG-A.
Other names: c.9772_9775delGAGA (NM_000059.3); short protein forms E3258fs.
Identifiers: ClinVar variation 639583 (VCV000639583.9), dbSNP rs1593201811, ClinGen allele CA915948631.

ClinVar aggregate classification (germline): Pathogenic (1 of 4 stars; one submission).

Conditions:
Hereditary breast ovarian cancer syndrome. Also called: Hereditary breast and ovarian cancer; Hereditary breast and ovarian cancer syndrome (HBOC); BRCA1- and BRCA2-Associated Hereditary Breast and Ovarian Cancer; Hereditary breast and ovarian cancer syndrome; Hereditary breast and/or ovarian cancer syndrome; Breast and ovarian cancer. Identifiers: Orphanet 145, MedGen C0677776, MeSH D061325, MONDO:0003582. Disease mechanism: loss of function.

Submission:

Labcorp Genetics (formerly Invitae), Labcorp
Classification: Pathogenic for Hereditary breast ovarian cancer syndrome. Last evaluated: 2018-07-13. Review status: criteria provided, single submitter. Criteria: Invitae Variant Classification Sherloc (09022015). Collection method: clinical testing. Allele origin: germline.
Comment: This sequence change results in a premature translational stop signal in the BRCA2 gene (p.Glu3258Leufs*16). While this is not anticipated to result in nonsense mediated decay, it is expected to disrupt the last 161 amino acids of the BRCA2 protein. This variant is not present in population databases (ExAC no frequency). This variant has not been reported in the literature in individuals with BRCA2-related disease. A different truncation (p.Tyr3308*) that lies downstream of this variant has been determined to be pathogenic (PMID: 18593900, 18607349, 17026620, 22711857). This suggests that deletion of this region of the BRCA2 protein is causative of disease. For these reasons, this variant has been classified as Pathogenic.

Literature cited by the submitters: PubMed 18593900; PubMed 18607349; PubMed 17026620; PubMed 22711857.